The following is an entry in ClinVar:

ClinVar aggregate classification (germline): Uncertain significance. Review status: criteria provided, multiple submitters, no conflicts (2 of 4 stars). 2 submissions from 2 submitters: Uncertain significance (2). Last evaluated 2021-08-28.

Conditions:
Inborn genetic diseases. Identifiers: MedGen C0950123, MeSH D030342.
Deficiency of malonyl-CoA decarboxylase. Also called: Malonic aciduria; MCD deficiency. Identifiers: Orphanet 943, MedGen C0342793, MONDO:0009556, OMIM 248360.

Allele frequency attached by ClinVar (database versions not stated): ExAC 0.00001; gnomAD exomes 0.00001; TOPMed 0.00002; gnomAD 0.00005.
gnomAD v4.1: 24 of 1,613,786 alleles (0.0015%); highest among the groups gnomAD compares: Non-Finnish European, 0.0019%; no homozygotes.

Submissions (2):

Labcorp Genetics (formerly Invitae), Labcorp
Classification: Uncertain significance for Deficiency of malonyl-CoA decarboxylase. Last evaluated: 2021-08-28. Review status: criteria provided, single submitter. Criteria: Invitae Variant Classification Sherloc (09022015). Collection method: clinical testing. Allele origin: germline.
Comment: This sequence change replaces leucine with proline at codon 458 of the MLYCD protein (p.Leu458Pro). The leucine residue is highly conserved and there is a moderate physicochemical difference between leucine and proline. This variant is present in population databases (rs768566945, ExAC 0.002%). This variant has not been reported in the literature in individuals affected with MLYCD-related conditions. Algorithms developed to predict the effect of missense changes on protein structure and function output the following: SIFT: "Tolerated"; PolyPhen-2: "Benign"; Align-GVGD: "Class C0". The proline amino acid residue is found in multiple mammalian species, which suggests that this missense change does not adversely affect protein function. In summary, the available evidence is currently insufficient to determine the role of this variant in disease. Therefore, it has been classified as a Variant of Uncertain Significance.

Ambry Genetics
Classification: Uncertain significance for Inborn genetic diseases. Last evaluated: 2021-08-10. Review status: criteria provided, single submitter. Criteria: Ambry Variant Classification Scheme 2023. Collection method: clinical testing. Allele origin: germline.

NM_012213.3(MLYCD):c.1373T>C (p.Leu458Pro)

Gene: MLYCD (malonyl-CoA decarboxylase; plus strand). Cytogenetic location: 16q23.3.
Variant type: single nucleotide variant.
Coding change: c.1373T>C on transcript NM_012213.3 (MANE Select); coding-DNA position 1373, T replaced by C.
Protein change: p.Leu458Pro; replaces leucine 458 with proline.
Molecular consequence: missense variant.
Genome position (GRCh38, 1-based): chr16:83,915,380, T>C. VCF-style: chr16-83915380-T-C. GRCh37 (hg19) VCF-style: chr16-83948985-T-C.
Other names: short protein forms L458P.
Identifiers: ClinVar variation 529872 (VCV000529872.3), dbSNP rs768566945, ClinGen allele CA8197617.